The following is an entry in ClinVar:

ClinVar aggregate classification (germline): Uncertain significance (1 of 4 stars; one submission).

gnomAD v4.1: 3 of 1,209,943 alleles (0.00025%); highest among the groups gnomAD compares: East Asian, 0.0059%; no homozygotes.

Submission:

Women's Health and Genetics/Laboratory Corporation of America, LabCorp
Classification: Uncertain significance. Last evaluated: 2025-02-21. Review status: criteria provided, single submitter. Criteria: LabCorp Variant Classification Summary - May 2015. Collection method: clinical testing. Allele origin: germline.
Comment: Variant summary: CLCN5 c.1458C>A (p.Phe486Leu) results in a non-conservative amino acid change in the encoded protein sequence. Three of three in-silico tools predict a damaging effect of the variant on protein function. The variant allele was found at a frequency of 5.5e-06 in 183246 control chromosomes. The available data on variant occurrences in the general population are insufficient to allow any conclusion about variant significance. c.1458C>A has been reported in the literature in at least one individual affected with nephrolithiasis (Ge_2021, Liu_2023). These data do not allow any conclusion about variant significance. To our knowledge, no experimental evidence demonstrating an impact on protein function has been reported. The following publications have been ascertained in the context of this evaluation (PMID: 34674420, 37306718). No submitters have cited clinical-significance assessments for this variant to ClinVar. Based on the evidence outlined above, the variant was classified as uncertain significance.

Literature cited by the submitters: PubMed 34674420; PubMed 37306718.

NM_001127898.4(CLCN5):c.1668C>A (p.Phe556Leu)

Gene: CLCN5 (chloride voltage-gated channel 5; plus strand). Cytogenetic location: Xp11.23.
Variant type: single nucleotide variant.
Coding change: c.1668C>A on transcript NM_001127898.4 (MANE Select); coding-DNA position 1668, C replaced by A.
Protein change: p.Phe556Leu; replaces phenylalanine 556 with leucine.
Molecular consequence: missense variant.
Genome position (GRCh38, 1-based): chrX:50,088,808, C>A. VCF-style: chrX-50088808-C-A. GRCh37 (hg19) VCF-style: chrX-49853465-C-A.
Other names: c.1458C>A, p.Phe486Leu (NM_000084.5); c.1668C>A, p.Phe556Leu (NM_001127899.4); c.1518C>A, p.Phe506Leu (NM_001282163.2); short protein forms F486L, F506L, F556L.
Identifiers: ClinVar variation 3768898 (VCV003768898.1).
Genomic context (GRCh38, chrX:50,088,808, plus strand): 5'-TCGACTTCTAGGAGTAGGAATGGAACAGCTGGCTTATTACCACCAGGAATGGACCGTCTT[C>A]AATAGCTGGTGTAGTCAGGGAGCTGATTGCATCACCCCCGGCCTTTATGCAATGGTTGGG-3'
Protein context (NP_001121370.1, residues 546-566): LAYYHQEWTV[Phe556Leu]NSWCSQGADC